The following is an entry in ClinVar:

ClinVar aggregate classification (germline): Uncertain significance (1 of 4 stars; one submission).

Submission:

GeneDx
Classification: Uncertain significance. Last evaluated: 2025-01-16. Review status: criteria provided, single submitter. Criteria: GeneDx Variant Classification Process June 2021. Collection method: clinical testing. Allele origin: germline. Affected: yes.
Comment: Not observed at significant frequency in large population cohorts (gnomAD); In silico analysis supports that this missense variant has a deleterious effect on protein structure/function; Has not been previously published as pathogenic or benign to our knowledge

NM_001009944.3(PKD1):c.4511A>G (p.Asp1504Gly)

Gene: PKD1 (polycystin 1, transient receptor potential channel interacting; minus strand). Cytogenetic location: 16p13.3.
Variant type: single nucleotide variant.
Coding change: c.4511A>G on transcript NM_001009944.3 (MANE Select); coding-DNA position 4511, A replaced by G.
Protein change: p.Asp1504Gly; replaces aspartic acid 1504 with glycine.
Molecular consequence: missense variant.
Genome position (GRCh38, 1-based): chr16:2,110,656, T>C on the plus strand (A>G on the coding strand, the complement: PKD1 is on the minus strand). VCF-style: chr16-2110656-T-C. GRCh37 (hg19) VCF-style: chr16-2160657-T-C.
Other names: c.4511A>G, p.Asp1504Gly (NM_000296.4); short protein forms D1504G.
Identifiers: ClinVar variation 4070743 (VCV004070743.1).